The following is an entry in ClinVar:

NM_000426.4(LAMA2):c.5441T>C (p.Leu1814Ser)

Gene: LAMA2 (laminin subunit alpha 2; plus strand). Cytogenetic location: 6q22.33.
Variant type: single nucleotide variant.
Coding change: c.5441T>C on transcript NM_000426.4 (MANE Select); coding-DNA position 5441, T replaced by C.
Protein change: p.Leu1814Ser; replaces leucine 1814 with serine.
Molecular consequence: missense variant.
Genome position (GRCh38, 1-based): chr6:129,393,251, T>C. VCF-style: chr6-129393251-T-C. GRCh37 (hg19) VCF-style: chr6-129714396-T-C.
Other names: c.5441T>C, p.Leu1814Ser (NM_001079823.2); short protein forms L1814S.
Identifiers: ClinVar variation 1347488 (VCV001347488.3), dbSNP rs1779422597, ClinGen allele CA365615007.

ClinVar aggregate classification (germline): Uncertain significance (1 of 4 stars; one submission).

Conditions:
LAMA2-related muscular dystrophy (LAMA2-RD). Also called: Laminin alpha 2-related dystrophy. Identifiers: MedGen C5679788, MONDO:0100228.

Allele frequency attached by ClinVar (database versions not stated): TOPMed below 0.00001.

Submission:

Labcorp Genetics (formerly Invitae), Labcorp
Classification: Uncertain significance for LAMA2-related muscular dystrophy. Last evaluated: 2021-09-14. Review status: criteria provided, single submitter. Criteria: Invitae Variant Classification Sherloc (09022015). Collection method: clinical testing. Allele origin: germline.
Comment: This sequence change replaces leucine with serine at codon 1814 of the LAMA2 protein (p.Leu1814Ser). The leucine residue is moderately conserved and there is a large physicochemical difference between leucine and serine. This variant is not present in population databases (ExAC no frequency). This variant has not been reported in the literature in individuals affected with LAMA2-related conditions. Advanced modeling of protein sequence and biophysical properties (such as structural, functional, and spatial information, amino acid conservation, physicochemical variation, residue mobility, and thermodynamic stability) performed at Invitae indicates that this missense variant is not expected to disrupt LAMA2 protein function. In summary, the available evidence is currently insufficient to determine the role of this variant in disease. Therefore, it has been classified as a Variant of Uncertain Significance.